The following is an entry in ClinVar:

NM_004369.4(COL6A3):c.2567G>A (p.Arg856His)

Gene: COL6A3 (collagen type VI alpha 3 chain; minus strand). Cytogenetic location: 2q37.3.
Variant type: single nucleotide variant.
Coding change: c.2567G>A on transcript NM_004369.4 (MANE Select); coding-DNA position 2567, G replaced by A.
Protein change: p.Arg856His; replaces arginine 856 with histidine.
Molecular consequence: missense variant.
Genome position (GRCh38, 1-based): chr2:237,377,275, C>T on the plus strand (G>A on the coding strand, the complement: COL6A3 is on the minus strand). VCF-style: chr2-237377275-C-T. GRCh37 (hg19) VCF-style: chr2-238285918-C-T.
Other names: p.Arg856His; c.1346G>A, p.Arg449His (NM_057164.5); c.1949G>A, p.Arg650His (NM_057165.5, NM_057167.4); c.746G>A, p.Arg249His (NM_057166.5); short protein forms R249H, R449H, R650H, R856H.
Identifiers: ClinVar variation 952387 (VCV000952387.16), dbSNP rs147897225, ClinGen allele CA2189371.

ClinVar aggregate classification (germline): Conflicting classifications of pathogenicity. Review status: criteria provided, conflicting classifications (1 of 4 stars). 5 submissions from 5 submitters: Uncertain significance (4); Likely benign (1). Last evaluated 2026-01-22.

Conditions:
Inborn genetic diseases. Identifiers: MedGen C0950123, MeSH D030342.
Bethlem myopathy 1A. Also called: Bethlem Muscular Dystrophy; Bethlem myopathy 1; MYOPATHY, BENIGN CONGENITAL, WITH CONTRACTURES. Identifiers: Orphanet 610, MedGen CN029274, MONDO:0024530, OMIM 158810.

Allele frequency attached by ClinVar (database versions not stated): gnomAD exomes 0.00005 and 0.00017; gnomAD 0.00006; TOPMed 0.00008; ExAC 0.00018.
gnomAD v4.1: 76 of 1,606,256 alleles (0.0047%); highest among the groups gnomAD compares: Admixed American, 0.09%; no homozygotes.

Submissions (5):

Labcorp Genetics (formerly Invitae), Labcorp
Classification: Likely benign for Bethlem myopathy 1A. Last evaluated: 2026-01-22. Review status: criteria provided, single submitter. Criteria: Invitae Variant Classification Sherloc (09022015). Collection method: clinical testing. Allele origin: germline.

Ambry Genetics
Classification: Uncertain significance for Inborn genetic diseases. Last evaluated: 2024-10-12. Review status: criteria provided, single submitter. Criteria: Ambry Variant Classification Scheme 2023. Collection method: clinical testing. Allele origin: germline.

GeneDx
Classification: Uncertain significance. Last evaluated: 2024-02-26. Review status: criteria provided, single submitter. Criteria: GeneDx Variant Classification Process June 2021. Collection method: clinical testing. Allele origin: germline. Affected: yes.
Comment: In silico analysis supports that this missense variant has a deleterious effect on protein structure/function; Has not been previously published as pathogenic or benign to our knowledge

Mayo Clinic Laboratories, Mayo Clinic
Classification: Uncertain significance. Last evaluated: 2022-12-21. Review status: criteria provided, single submitter. Criteria: ACMG Guidelines, 2015. Collection method: clinical testing. Allele origin: germline. Observed: 2 variant alleles.

Revvity Omics, Revvity
Classification: Uncertain significance. Last evaluated: 2022-09-16. Review status: criteria provided, single submitter. Criteria: ACMG Guidelines, 2015. Collection method: clinical testing. Allele origin: germline.